The following is an entry in ClinVar:

ClinVar aggregate classification (germline): Conflicting classifications of pathogenicity. Review status: criteria provided, conflicting classifications (1 of 4 stars). 5 submissions from 5 submitters: Uncertain significance (2); Likely benign (3). Last evaluated 2025-08-26.

Conditions:
Inborn genetic diseases. Identifiers: MedGen C0950123, MeSH D030342.
CAST-related disorder. Also called: CAST-related condition.

Allele frequency attached by ClinVar (database versions not stated): gnomAD exomes 0.00014 and 0.00038; ExAC 0.00045; gnomAD 0.00125 and 0.00139; ESP Exome Variant Server 0.00138; 1000 Genomes Project 0.00140; 1000 Genomes Project 30x 0.00141; TOPMed 0.00147.
gnomAD v4.1: 403 of 1,613,306 alleles (0.025%); highest among the groups gnomAD compares: African/African-American, 0.39%; 1 homozygote.

Submissions (5):

Labcorp Genetics (formerly Invitae), Labcorp
Classification: Likely benign. Last evaluated: 2025-08-26. Review status: criteria provided, single submitter. Criteria: Invitae Variant Classification Sherloc (09022015). Collection method: clinical testing. Allele origin: germline.

PreventionGenetics, part of Exact Sciences
Classification: Likely benign for CAST-related condition. Last evaluated: 2025-03-19. Review status: criteria provided, single submitter. Criteria: ACMG Guidelines, 2015. Collection method: clinical testing. Allele origin: germline.
Comment: This variant is classified as likely benign based on ACMG/AMP sequence variant interpretation guidelines (Richards et al. 2015 PMID: 25741868, with internal and published modifications).

GeneDx
Classification: Uncertain significance. Last evaluated: 2024-06-07. Review status: criteria provided, single submitter. Criteria: GeneDx Variant Classification Process June 2021. Collection method: clinical testing. Allele origin: germline. Affected: yes.
Comment: Has not been previously published as pathogenic or benign to our knowledge; In silico analysis indicates that this missense variant does not alter protein structure/function; Observed homozygous in at least one presumed unaffected adult relative of an individual referred for genetic testing at GeneDx

Ambry Genetics
Classification: Uncertain significance for Inborn genetic diseases. Last evaluated: 2021-08-13. Review status: criteria provided, single submitter. Criteria: Ambry Variant Classification Scheme 2023. Collection method: clinical testing. Allele origin: germline.

Breakthrough Genomics
Classification: Likely benign. Review status: criteria provided, single submitter. Criteria: ACMG Guidelines, 2015. Collection method: not provided. Allele origin: germline. Inheritance: Autosomal recessive inheritance. Affected: yes.

NM_001750.7(CAST):c.1178G>A (p.Arg393His)

Gene: CAST (calpastatin; plus strand). Cytogenetic location: 5q15.
Variant type: single nucleotide variant.
Coding change: c.1178G>A on transcript NM_001750.7 (MANE Select); coding-DNA position 1178, G replaced by A.
Protein change: p.Arg393His; replaces arginine 393 with histidine.
Molecular consequence: missense variant.
Genome position (GRCh38, 1-based): chr5:96,742,734, G>A. VCF-style: chr5-96742734-G-A. GRCh37 (hg19) VCF-style: chr5-96078438-G-A.
Other names: c.1067G>A, p.Arg356His (NM_001375317.1); c.863G>A, p.Arg288His (NM_173060.5, NM_001330632.2); c.1055G>A, p.Arg352His (NM_001042440.5, NM_001330627.2); c.1121G>A, p.Arg374His (NM_001042441.3); c.1112G>A, p.Arg371His (NM_001042442.3); c.929G>A, p.Arg310His (NM_001042443.3); c.806G>A, p.Arg269His (NM_001042444.3, NM_001284212.4); c.824G>A, p.Arg275His (NM_001042445.3); and 9 more; short protein forms R337H, R371H, R256H, R278H, R238H, R288H, R291H, R352H.
Identifiers: ClinVar variation 790564 (VCV000790564.12), dbSNP rs139285603, ClinGen allele CA3351146.